The following is an entry in ClinVar:

ClinVar aggregate classification (germline): Conflicting classifications of pathogenicity. Review status: criteria provided, conflicting classifications (1 of 4 stars). 4 submissions from 4 submitters: Likely pathogenic (1); Uncertain significance (2). 1 of the submissions does not count toward it. Last evaluated 2024-04-14.

Conditions:
Aarskog syndrome (AAS). Also called: Aarskog-Scott syndrome, X-linked; Aarskog Scott syndrome; Aarskog disease; FGD1-Related Faciogenital Dysplasia (Aarskog-Scott Syndrome); FGDY. Identifiers: Orphanet 915, MedGen C0175701, MONDO:0010589, OMIM 305400.
Inborn genetic diseases. Identifiers: MedGen C0950123, MeSH D030342.

gnomAD v4.1: 1 of 1,192,443 alleles (0.000084%); highest among the groups gnomAD compares: Non-Finnish European, 0.00011%; no homozygotes.

Submissions (4):

Labcorp Genetics (formerly Invitae), Labcorp
Classification: Uncertain significance. Last evaluated: 2024-04-14. Review status: criteria provided, single submitter. Criteria: Invitae Variant Classification Sherloc (09022015). Collection method: clinical testing. Allele origin: germline.
Comment: This sequence change replaces arginine, which is basic and polar, with tryptophan, which is neutral and slightly polar, at codon 636 of the FGD1 protein (p.Arg636Trp). This variant is not present in population databases (gnomAD no frequency). This variant has not been reported in the literature in individuals affected with FGD1-related conditions. ClinVar contains an entry for this variant (Variation ID: 1782392). Advanced modeling of protein sequence and biophysical properties (such as structural, functional, and spatial information, amino acid conservation, physicochemical variation, residue mobility, and thermodynamic stability) has been performed at Invitae for this missense variant, however the output from this modeling did not meet the statistical confidence thresholds required to predict the impact of this variant on FGD1 protein function. In summary, the available evidence is currently insufficient to determine the role of this variant in disease. Therefore, it has been classified as a Variant of Uncertain Significance.

3billion
Classification: Uncertain significance for Aarskog syndrome. Last evaluated: 2023-10-23. Review status: criteria provided, single submitter. Criteria: ACMG Guidelines, 2015. Collection method: clinical testing. Allele origin: germline. Affected: yes.
Comment: The variant is not observed in the gnomAD v2.1.1 dataset. Predicted Consequence/Location: Missense changes are a common disease-causing mechanism. In silico tool predictions suggest damaging effect of the variant on gene or gene product [REVEL: 0.85 (>=0.6, sensitivity 0.68 and specificity 0.92); 3Cnet: 0.76 (>=0.6, sensitivity 0.72 and precision 0.9)]. Same nucleotide change resulting in same amino acid change has been previously reported to be associated with FGD1-related disorder (ClinVar ID: VCV001782392). However, the evidence of pathogenicity is insufficient at this time. Therefore, this variant is classified as VUS according to the recommendation of ACMG/AMP guideline.

Ambry Genetics
Classification: Likely pathogenic for Inborn genetic diseases. Last evaluated: 2021-09-16. Review status: criteria provided, single submitter. Criteria: Ambry Variant Classification Scheme 2023. Collection method: clinical testing. Allele origin: germline.
Comment: The c.1906C>T (p.R636W) alteration is located in exon 11 (coding exon 11) of the FGD1 gene. This alteration results from a C to T substitution at nucleotide position 1906, causing the arginine (R) at amino acid position 636 to be replaced by a tryptophan (W). This variant was not reported in population-based cohorts in the Genome Aggregation Database (gnomAD). This alteration was detected in two brothers with Aarskog-Scott syndrome (Yanagi, 2004). This amino acid position is highly conserved in available vertebrate species. This missense alteration is located in a region that has a low rate of benign missense variation (Firth, 2009; Lek, 2016). Internal structural analysis determined this variant to be structurally deleterious (Ambry internal data; He, 2013). This alteration is predicted to be deleterious by in silico analysis. Based on the available evidence, this alteration is classified as likely pathogenic.

Istanbul Faculty of Medicine, Istanbul University
Classification: Likely pathogenic for Aarskog syndrome. Last evaluated: 2024-10-02. Review status: no assertion criteria provided. Collection method: clinical testing. Allele origin: germline. Affected: yes. Observed: 1 variant allele. Not counted in ClinVar's aggregate classification.
Comment: PM3, PM2, PP3, PP2

Literature cited by the submitters: PubMed 19344873 (cited by Ambry Genetics); PubMed 23375260 (cited by Ambry Genetics); PubMed 27535533 (cited by Ambry Genetics).

NM_004463.3(FGD1):c.1906C>T (p.Arg636Trp)

Gene: FGD1 (FYVE, RhoGEF and PH domain containing 1; minus strand). Cytogenetic location: Xp11.22.
Variant type: single nucleotide variant.
Coding change: c.1906C>T on transcript NM_004463.3 (MANE Select); coding-DNA position 1906, C replaced by T.
Protein change: p.Arg636Trp; replaces arginine 636 with tryptophan.
Molecular consequence: missense variant.
Genome position (GRCh38, 1-based): chrX:54,455,721, G>A on the plus strand (C>T on the coding strand, the complement: FGD1 is on the minus strand). VCF-style: chrX-54455721-G-A. GRCh37 (hg19) VCF-style: chrX-54482154-G-A.
Other names: short protein forms R636W.
Identifiers: ClinVar variation 1782392 (VCV001782392.6), dbSNP rs759075971, ClinGen allele CA413359961.